The following is an entry in ClinVar:

ClinVar aggregate classification (germline): Uncertain significance (1 of 4 stars; one submission).

Submission:

GeneDx
Classification: Uncertain significance. Last evaluated: 2026-02-27. Review status: criteria provided, single submitter. Criteria: GeneDx Variant Classification Process June 2021. Collection method: clinical testing. Allele origin: germline.
Comment: Not observed at significant frequency in large population cohorts (gnomAD); In silico analysis suggests that this missense variant does not alter protein structure/function; Has not been previously published as pathogenic or benign to our knowledge

NM_001370466.1(NOD2):c.1436C>T (p.Ser479Phe)

Gene: NOD2 (nucleotide binding oligomerization domain containing 2; plus strand). Cytogenetic location: 16q12.1.
Variant type: single nucleotide variant.
Coding change: c.1436C>T on transcript NM_001370466.1 (MANE Select); coding-DNA position 1436, C replaced by T.
Protein change: p.Ser479Phe; replaces serine 479 with phenylalanine.
Molecular consequence: missense variant. On other transcripts: non-coding transcript variant (1).
Genome position (GRCh38, 1-based): chr16:50,711,428, C>T. VCF-style: chr16-50711428-C-T. GRCh37 (hg19) VCF-style: chr16-50745339-C-T.
Other names: c.1436C>T, p.Ser479Phe (NM_001293557.2); c.1517C>T, p.Ser506Phe (NM_022162.3); short protein forms S479F, S506F.
Identifiers: ClinVar variation 5008171 (VCV005008171.1).